The following is an entry in ClinVar:

NM_003978.5(PSTPIP1):c.418-20A>G

Gene: PSTPIP1 (proline-serine-threonine phosphatase interacting protein 1; plus strand). Cytogenetic location: 15q24.3.
Variant type: single nucleotide variant.
Coding change: c.418-20A>G on transcript NM_003978.5 (MANE Select); 20 bases into the intron before coding-DNA position 418, A replaced by G.
Molecular consequence: intron variant.
Genome position (GRCh38, 1-based): chr15:77,028,534, A>G. VCF-style: chr15-77028534-A-G. GRCh37 (hg19) VCF-style: chr15-77320875-A-G.
Other names: c.418-20A>G (LRG_172t1, NM_001321135.2); c.613-20A>G (NM_001321137.1); c.391-20A>G (NM_001321136.2).
Identifiers: ClinVar variation 245665 (VCV000245665.16), dbSNP rs545542379, ClinGen allele CA7675814.
Genomic context (GRCh38, chr15:77,028,534, plus strand): 5'-CTGGGCTAAGGGAGCCTCACTCCCGGGGACCACAGAACAGGGCTGTGCAGCCCCCAAGTC[A>G]CGCCCCTCCACACCCCCAGTCCAAGAAGACATACGAGCAGAAGTGCCGGGACGCGGACGA-3'

ClinVar aggregate classification (germline): Benign/Likely benign. Review status: criteria provided, multiple submitters, no conflicts (2 of 4 stars). 3 submissions from 3 submitters: Benign (2); Likely benign (1). Last evaluated 2025-11-19.

Conditions:
Pyogenic arthritis-pyoderma gangrenosum-acne syndrome (PAPA). Also called: FAMILIAL RECURRENT ARTHRITIS; PAPA SYNDROME. Identifiers: Orphanet 69126, MedGen C1858361, MONDO:0011462, OMIM 604416.

Allele frequency attached by ClinVar (database versions not stated): gnomAD exomes 0.00008 and 0.00013; ExAC 0.00027; gnomAD 0.00080 and 0.00088; TOPMed 0.00091; 1000 Genomes Project 0.00120; 1000 Genomes Project 30x 0.00125.
gnomAD v4.1: 244 of 1,575,506 alleles (0.015%); highest among the groups gnomAD compares: African/African-American, 0.3%; no homozygotes.

Submissions (3):

Labcorp Genetics (formerly Invitae), Labcorp
Classification: Benign for Pyogenic arthritis-pyoderma gangrenosum-acne syndrome. Last evaluated: 2025-11-19. Review status: criteria provided, single submitter. Criteria: Invitae Variant Classification Sherloc (09022015). Collection method: clinical testing. Allele origin: germline.

ARUP Laboratories, Molecular Genetics and Genomics, ARUP Laboratories
Classification: Likely benign for Pyogenic arthritis-pyoderma gangrenosum-acne syndrome. Last evaluated: 2019-12-24. Review status: criteria provided, single submitter. Criteria: ARUP Molecular Germline Variant Investigation Process. Collection method: clinical testing. Allele origin: germline.

GeneDx
Classification: Benign. Last evaluated: 2015-06-19. Review status: criteria provided, single submitter. Criteria: GeneDx Variant Classification (06012015). Collection method: clinical testing. Allele origin: germline. Affected: yes.
Comment: This variant is considered likely benign or benign based on one or more of the following criteria: it is a conservative change, it occurs at a poorly conserved position in the protein, it is predicted to be benign by multiple in silico algorithms, and/or has population frequency not consistent with disease.